The following is an entry in ClinVar:

ClinVar aggregate classification (germline): Benign. Review status: criteria provided, multiple submitters, no conflicts (2 of 4 stars). 3 submissions from 2 submitters: Benign (3). Last evaluated 2018-01-13.

Conditions:
Ehlers-Danlos syndrome, arthrochalasia type, 2. Also called: EHLERS-DANLOS SYNDROME, TYPE VIIB, AUTOSOMAL DOMINANT. Identifiers: MedGen CN293783, MONDO:0040501, OMIM 617821.
Osteogenesis imperfecta (OI). Identifiers: Orphanet 666, MedGen C0029434, MeSH D010013, MONDO:0019019.

Allele frequency attached by ClinVar (database versions not stated): gnomAD exomes 0.05841; 1000 Genomes Project 0.07228; 1000 Genomes Project 30x 0.07776; gnomAD 0.09085 and 0.09387; TOPMed 0.09451.
gnomAD v4.1: 13,894 of 152,608 alleles (9.1%); highest among the groups gnomAD compares: Middle Eastern, 14%; 667 homozygotes.

Submissions (3):

Illumina Laboratory Services, Illumina
Classification: Benign for Ehlers-Danlos syndrome, arthrochalasia type, 2. Last evaluated: 2018-01-13. Review status: criteria provided, single submitter. Criteria: ICSL Variant Classification Criteria 13 December 2019. Collection method: clinical testing. Allele origin: germline.
Comment: This variant was observed in the ICSL laboratory as part of a predisposition screen in an ostensibly healthy population. It had not been previously curated by ICSL or reported in the Human Gene Mutation Database (HGMD: prior to June 1st, 2018), and was therefore a candidate for classification through an automated scoring system. Utilizing variant allele frequency, disease prevalence and penetrance estimates, and inheritance mode, an automated score was calculated to assess if this variant is too frequent to cause the disease. Based on the score and internal cut-off values, a variant classified as benign is not then subjected to further curation. The score for this variant resulted in a classification of benign for this disease.

Illumina Laboratory Services, Illumina
Classification: Benign for Osteogenesis imperfecta. Last evaluated: 2018-01-13. Review status: criteria provided, single submitter. Criteria: ICSL Variant Classification Criteria 13 December 2019. Collection method: clinical testing. Allele origin: germline.
Comment: the same text as in the submission from Illumina Laboratory Services, Illumina above.

Breakthrough Genomics
Classification: Benign. Review status: criteria provided, single submitter. Criteria: ACMG Guidelines, 2015. Collection method: not provided. Allele origin: germline. Inheritance: Autosomal recessive inheritance. Affected: yes.

NM_000089.4(COL1A2):c.*804G>T

Gene: COL1A2 (collagen type I alpha 2 chain; plus strand). Cytogenetic location: 7q21.3.
Variant type: single nucleotide variant.
Coding change: c.*804G>T on transcript NM_000089.4 (MANE Select); 804 bases downstream of the stop codon, G replaced by T.
Molecular consequence: 3 prime UTR variant.
Genome position (GRCh38, 1-based): chr7:94,431,197, G>T. VCF-style: chr7-94431197-G-T. GRCh37 (hg19) VCF-style: chr7-94060509-G-T.
Identifiers: ClinVar variation 360984 (VCV000360984.6), dbSNP rs1062394, ClinGen allele CA10624420.